The following is an entry in ClinVar:

NM_001256071.3(RNF213):c.4063G>A (p.Ala1355Thr)

Gene: RNF213 (ring finger protein 213; plus strand). Cytogenetic location: 17q25.3.
Variant type: single nucleotide variant.
Coding change: c.4063G>A on transcript NM_001256071.3 (MANE Select); coding-DNA position 4063, G replaced by A.
Protein change: p.Ala1355Thr; replaces alanine 1355 with threonine.
Molecular consequence: missense variant.
Genome position (GRCh38, 1-based): chr17:80,332,551, G>A. VCF-style: chr17-80332551-G-A. GRCh37 (hg19) VCF-style: chr17-78306351-G-A.
Other names: c.4210G>A, p.Ala1404Thr (NM_001410195.1, NM_020914.5); short protein forms A1404T, A1355T.
Identifiers: ClinVar variation 3781027 (VCV003781027.1).

ClinVar aggregate classification (germline): Uncertain significance (1 of 4 stars; one submission).

gnomAD v4.1: 16 of 1,535,644 alleles (0.001%); highest among the groups gnomAD compares: Admixed American, 0.031%; no homozygotes.

Submission:

GeneDx
Classification: Uncertain significance. Last evaluated: 2024-10-15. Review status: criteria provided, single submitter. Criteria: GeneDx Variant Classification Process June 2021. Collection method: clinical testing. Allele origin: germline. Affected: yes.
Comment: In silico analysis indicates that this missense variant does not alter protein structure/function; Has not been previously published as pathogenic or benign to our knowledge